The following is an entry in ClinVar:

NM_001003699.4(RREB1):c.2037C>T (p.Ile679=)

Gene: RREB1 (ras responsive element binding protein 1; plus strand). Cytogenetic location: 6p24.3.
Variant type: single nucleotide variant.
Coding change: c.2037C>T on transcript NM_001003699.4 (MANE Select); coding-DNA position 2037, C replaced by T.
Protein change: p.Ile679=; no amino-acid change (isoleucine 679 retained).
Molecular consequence: synonymous variant.
Genome position (GRCh38, 1-based): chr6:7,230,136, C>T. VCF-style: chr6-7230136-C-T. GRCh37 (hg19) VCF-style: chr6-7230369-C-T.
Other names: c.2037C>T, p.Ile679= (NM_001003698.4, NM_001003700.2, NM_001168344.2).
Identifiers: ClinVar variation 2656201 (VCV002656201.24), dbSNP rs1344719929, ClinGen allele CA448711772.
Genomic context (GRCh38, chr6:7,230,136, plus strand): 5'-TGCCCACGTGCGCTCCCACCTGGGCATCTCGCCATACCAGTGCAACATCTGCGACTACAT[C>T]GCCGCCGACAAGGCCGCGCTCATCCGCCACCTGCGCACGCACAGTGGGGAGCGGCCCTAC-3'
Protein context (NP_001003699.1, residues 669-689): SPYQCNICDY[Ile679=]AADKAALIRH

ClinVar aggregate classification (germline): Likely benign (1 of 4 stars; one submission).

Allele frequency attached by ClinVar (database versions not stated): TOPMed below 0.00001.
gnomAD v4.1: 12 of 1,604,932 alleles (0.00075%); highest among the groups gnomAD compares: Non-Finnish European, 0.001%; no homozygotes.

Submission:

CeGaT Center for Human Genetics Tuebingen
Classification: Likely benign. Last evaluated: 2023-08-01. Review status: criteria provided, single submitter. Criteria: CeGaT Center For Human Genetics Tuebingen Variant Classification Criteria Version 2. Collection method: clinical testing. Allele origin: germline. Affected: yes. Observed: 1 variant allele.
Comment: RREB1: BP4, BP7